The following is an entry in ClinVar:

ClinVar aggregate classification (germline): Uncertain significance (1 of 4 stars; one submission).

Conditions:
TTC8-related disorder. Also called: TTC8-related condition.

gnomAD v4.1: 1 of 1,613,912 alleles (0.000062%); highest among the groups gnomAD compares: Admixed American, 0.0017%; no homozygotes.

Submission:

PreventionGenetics, part of Exact Sciences
Classification: Uncertain significance for TTC8-related condition. Last evaluated: 2025-03-14. Review status: criteria provided, single submitter. Criteria: ACMG Guidelines, 2015. Collection method: clinical testing. Allele origin: germline.
Comment: The TTC8 c.1066G>A variant is predicted to result in the amino acid substitution p.Gly356Ser. To our knowledge, this variant has not been reported in the literature. All documented pathogenic variants are nonsense, splicing or frameshift variants. This variant is reported in 0.0058% of alleles in individuals of Latino descent in gnomAD. At this time, the clinical significance of this variant is uncertain due to the absence of conclusive functional and genetic evidence.

NM_144596.4(TTC8):c.1066G>A (p.Gly356Ser)

Gene: TTC8 (tetratricopeptide repeat domain 8; plus strand). Cytogenetic location: 14q31.3.
Variant type: single nucleotide variant.
Coding change: c.1066G>A on transcript NM_144596.4 (MANE Select); coding-DNA position 1066, G replaced by A.
Protein change: p.Gly356Ser; replaces glycine 356 with serine.
Molecular consequence: missense variant. On other transcripts: non-coding transcript variant (1).
Genome position (GRCh38, 1-based): chr14:88,871,565, G>A. VCF-style: chr14-88871565-G-A. GRCh37 (hg19) VCF-style: chr14-89337909-G-A.
Other names: c.1114G>A, p.Gly372Ser (NM_001288781.1); c.472G>A, p.Gly158Ser (NM_001288782.1); c.349G>A, p.Gly117Ser (NM_001288783.1); c.1036G>A, p.Gly346Ser (NM_001366535.2, NM_198309.3); c.946G>A, p.Gly316Ser (NM_001366536.2, NM_198310.3); short protein forms G346S, G316S, G372S, G117S, G158S, G356S.
Identifiers: ClinVar variation 4985776 (VCV004985776.1).